The following is an entry in ClinVar:

ClinVar aggregate classification (germline): Conflicting classifications of pathogenicity. Review status: criteria provided, conflicting classifications (1 of 4 stars). 7 submissions from 7 submitters: Uncertain significance (3); Likely benign (4). Last evaluated 2026-04-21.

Conditions:
FBN2-related disorder. Also called: FBN2-related condition.
Congenital contractural arachnodactyly (CCA). Also called: Arthrogryposis, distal, type 9; Beals-Hecht syndrome; BEALS SYNDROME. Identifiers: Orphanet 115, MedGen C0220668, MONDO:0007363, OMIM 121050.
Macular degeneration, early-onset (EOMD). Identifiers: MedGen C4015286, MONDO:0014501, OMIM 616118.
Familial thoracic aortic aneurysm and aortic dissection (TAAD). Also called: Thoracic aortic aneurysms and dissections. Identifiers: Orphanet 91387, MedGen C4707243, MONDO:0019625.

Allele frequency attached by ClinVar (database versions not stated): ExAC 0.00009; gnomAD exomes 0.00010; TOPMed 0.00014; 1000 Genomes Project 30x 0.00016; 1000 Genomes Project 0.00020.
gnomAD v4.1: 214 of 1,613,972 alleles (0.013%); highest among the groups gnomAD compares: East Asian, 0.39%; no homozygotes.

Submissions (7):

Women's Health and Genetics/Laboratory Corporation of America, LabCorp
Classification: Likely benign. Last evaluated: 2026-04-21. Review status: criteria provided, single submitter. Criteria: LabCorp Variant Classification Summary - May 2015. Collection method: clinical testing. Allele origin: germline.
Comment: Variant summary: FBN2 c.6833C>T (p.Thr2278Met) results in a non-conservative amino acid change in the encoded protein sequence. Algorithms developed to predict the effect of missense changes on protein structure and function all suggest that this variant is likely to be disruptive. The variant allele was found at a frequency of 9.6e-05 in 251276 control chromosomes, predominantly at a frequency of 0.001 within the East Asian subpopulation in the gnomAD database. The observed variant frequency within East Asian control individuals in the gnomAD database exceeds the estimated maximal expected allele frequency for disease-causing variants in FBN2. To our knowledge, no occurrence of c.6833C>T in individuals affected with FBN2-related conditions and no experimental evidence demonstrating its impact on protein function have been reported. ClinVar contains an entry for this variant (Variation ID: 225102). Based on the evidence outlined above, the variant was classified as likely benign.

Ambry Genetics
Classification: Uncertain significance for Familial thoracic aortic aneurysm and aortic dissection. Last evaluated: 2026-01-14. Review status: criteria provided, single submitter. Criteria: Ambry Variant Classification Scheme 2023. Collection method: clinical testing. Allele origin: germline.
Comment: The p.T2278M variant (also known as c.6833C>T), located in coding exon 54 of the FBN2 gene, results from a C to T substitution at nucleotide position 6833. The threonine at codon 2278 is replaced by methionine, an amino acid with similar properties. This variant was reported in individual(s) with features consistent with Marfan-like syndrome (Sakai H et al. Am J Med Genet A, 2006 Aug;140:1719-25; Ogawa S et al. Case Rep Womens Health, 2022 Jan;33:e00384). This amino acid position is not well conserved in available vertebrate species. In addition, the in silico prediction for this alteration is inconclusive. Based on the available evidence, the clinical significance of this variant remains unclear.

PreventionGenetics, part of Exact Sciences
Classification: Likely benign for FBN2-related condition. Last evaluated: 2026-01-14. Review status: criteria provided, single submitter. Criteria: ACMG Guidelines, 2015. Collection method: clinical testing. Allele origin: germline.
Comment: This variant is classified as likely benign based on ACMG/AMP sequence variant interpretation guidelines (Richards et al. 2015 PMID: 25741868, with internal and published modifications).

Labcorp Genetics (formerly Invitae), Labcorp
Classification: Likely benign for Congenital contractural arachnodactyly. Last evaluated: 2025-10-13. Review status: criteria provided, single submitter. Criteria: Invitae Variant Classification Sherloc (09022015). Collection method: clinical testing. Allele origin: germline.

CeGaT Center for Human Genetics Tuebingen
Classification: Likely benign. Last evaluated: 2025-07-01. Review status: criteria provided, single submitter. Criteria: CeGaT Center For Human Genetics Tuebingen Variant Classification Criteria Version 2. Collection method: clinical testing. Allele origin: germline. Affected: yes. Observed: 1 variant allele.
Comment: FBN2: PP2, BS1

GeneDx
Classification: Uncertain significance. Last evaluated: 2017-04-28. Review status: criteria provided, single submitter. Criteria: GeneDx Variant Classification (06012015). Collection method: clinical testing. Allele origin: germline. Affected: yes.
Comment: A variant of uncertain significance has been identified in the FBN2 gene. The T2278M variant has not been published as pathogenic or been reported as benign to our knowledge. This variant is observed in 10/8644 (0.1%) alleles from individuals of East Asian ancestry in the Exome Aggregation Consortium (ExAC) datset (Lek et al., 2016; Exome Variant Server). This substitution occurs at a position that is conserved in mammals and in silico analysis is inconsistent in its predictions as to whether or not the variant is damaging to the protein structure/function. Furthermore, while the T2278M variant is located within a calcium-binding EGF-like domain of the FBN2 gene, it does not affect a Cysteine residue in this domain. Cysteine substitutions in the calcium-binding EGF-like domains represent the majority of pathogenic missense changes associated with congenital arachnodactyly (Collod-Beroud et al., 2003; FrÃ©dÃ©ric et al., 2009). Nevertheless, the T2278M variant is a non-conservative amino acid substitution, which is likely to impact secondary protein structure as these residues differ in polarity, charge, size and/or other properties.

Juno Genomics, Hangzhou Juno Genomics, Inc
Classification: Uncertain significance for Congenital contractural arachnodactyly; Macular degeneration, early-onset. Review status: criteria provided, single submitter. Criteria: ACMG Guidelines, 2015. Collection method: clinical testing. Allele origin: germline.
Comment: Missense variant in a gene that has a low rate of benign missense variation.

Literature cited by the submitters: PubMed 16835936 (cited by Ambry Genetics); PubMed 35079579 (cited by Ambry Genetics).

NM_001999.4(FBN2):c.6833C>T (p.Thr2278Met)

Gene: FBN2 (fibrillin 2; minus strand). Cytogenetic location: 5q23.3.
Variant type: single nucleotide variant.
Coding change: c.6833C>T on transcript NM_001999.4 (MANE Select); coding-DNA position 6833, C replaced by T.
Protein change: p.Thr2278Met; replaces threonine 2278 with methionine.
Molecular consequence: missense variant.
Genome position (GRCh38, 1-based): chr5:128,287,355, G>A on the plus strand (C>T on the coding strand, the complement: FBN2 is on the minus strand). VCF-style: chr5-128287355-G-A. GRCh37 (hg19) VCF-style: chr5-127623047-G-A.
Other names: short protein forms T2278M.
Identifiers: ClinVar variation 225102 (VCV000225102.23), dbSNP rs2307109, ClinGen allele CA358193.
Genomic context (GRCh38, chr5:128,287,355, plus strand): 5'-TCTGAGGCCTTACCTTTGCACATCTTTTGATCTTCCCTGAGGGCATAGCCAATCGGGCAC[G>A]TGCATTCATAGGACCCAAAAGTGTTCATGCAGCGGAAAGCACACAGCAGTGGGTTCTGGG-3'
Protein context (NP_001990.2, residues 2268-2288): CMNTFGSYEC[Thr2278Met]CPIGYALRED